The following is an entry in ClinVar:

NM_014727.3(KMT2B):c.3145dup (p.Ala1049fs)

Gene: KMT2B (lysine methyltransferase 2B; plus strand). Cytogenetic location: 19q13.12.
Variant type: Duplication.
Coding change: c.3145dup on transcript NM_014727.3 (MANE Select); coding-DNA position 3145, one base duplicated (G; older notation c.3145dupG).
Protein change: p.Ala1049fs; shifts the reading frame from alanine 1049.
Molecular consequence: frameshift variant.
Genome position (GRCh38, 1-based): chr19:35,723,818, G duplicated; the last of 6 consecutive G bases (chr19:35,723,813-35,723,818); duplicating any one gives the same sequence. VCF-style (leftmost placement, unchanged base first): chr19-35723812-C-CG. GRCh37 (hg19) VCF-style: chr19-36214713-C-CG.
Other names: c.3145dup (NM_014727.2); short protein forms A1049fs.
Identifiers: ClinVar variation 985023 (VCV000985023.5), dbSNP rs1969316263, ClinGen allele CA1139666410.

ClinVar aggregate classification (germline): Pathogenic. Review status: criteria provided, multiple submitters, no conflicts (2 of 4 stars). 2 submissions from 2 submitters: Pathogenic (2). Last evaluated 2024-08-21.

Conditions:
Inborn genetic diseases. Identifiers: MedGen C0950123, MeSH D030342.
Dystonia 28, childhood-onset (DYT28). Also called: KMT2B-Related Dystonia (DYT-KMT2B). Identifiers: Orphanet 589618, MedGen C4310633, MONDO:0015004, OMIM 617284.
Intellectual developmental disorder, autosomal dominant 68 (MRD68). Also called: MENTAL RETARDATION, AUTOSOMAL DOMINANT 68. Identifiers: MedGen C5677008, MONDO:0030969, OMIM 619934.

Submissions (2):

GeneDx
Classification: Pathogenic. Last evaluated: 2024-08-21. Review status: criteria provided, single submitter. Criteria: GeneDx Variant Classification Process June 2021. Collection method: clinical testing. Allele origin: germline. Affected: yes.
Comment: Frameshift variant predicted to result in protein truncation or nonsense mediated decay in a gene for which loss of function is a known mechanism of disease; Not observed at significant frequency in large population cohorts (gnomAD); This variant is associated with the following publications: (PMID: 32634684)

Ambry Genetics
Classification: Pathogenic for Inborn genetic diseases. Last evaluated: 2017-02-23. Review status: criteria provided, single submitter. Criteria: Ambry exome assertion method (8-5-2015). Collection method: clinical testing. Allele origin: germline. Affected: yes. Observed: 1 variant allele.